The following is an entry in ClinVar:

ClinVar aggregate classification (germline): Uncertain significance (1 of 4 stars; one submission).

Conditions:
Hypertrophic cardiomyopathy 11. Also called: ACTC1-Related Familial Hypertrophic Cardiomyopathy. Identifiers: MedGen C2677506, MONDO:0012799, OMIM 612098.
Dilated cardiomyopathy 1R (CMD1R). Identifiers: Orphanet 154, Orphanet 54260, MedGen C3150681, MONDO:0013261, OMIM 613424.
Atrial septal defect 5 (ASD5). Identifiers: Orphanet 1478, MedGen C2748552, MONDO:0013011, OMIM 612794.

Submission:

Labcorp Genetics (formerly Invitae), Labcorp
Classification: Uncertain significance for Dilated cardiomyopathy 1R; Hypertrophic cardiomyopathy 11; Atrial septal defect 5. Last evaluated: 2024-10-09. Review status: criteria provided, single submitter. Criteria: Invitae Variant Classification Sherloc (09022015). Collection method: clinical testing. Allele origin: germline.
Comment: This sequence change replaces valine, which is neutral and non-polar, with leucine, which is neutral and non-polar, at codon 11 of the ACTC1 protein (p.Val11Leu). This variant is not present in population databases (gnomAD no frequency). This variant has not been reported in the literature in individuals affected with ACTC1-related conditions. Invitae Evidence Modeling of protein sequence and biophysical properties (such as structural, functional, and spatial information, amino acid conservation, physicochemical variation, residue mobility, and thermodynamic stability) has been performed for this missense variant. However, the output from this modeling did not meet the statistical confidence thresholds required to predict the impact of this variant on ACTC1 protein function. In summary, the available evidence is currently insufficient to determine the role of this variant in disease. Therefore, it has been classified as a Variant of Uncertain Significance.

NM_005159.5(ACTC1):c.31G>C (p.Val11Leu)

Genes: ACTC1 (actin alpha cardiac muscle 1; minus strand), GJD2-DT (GJD2 divergent transcript; plus strand). Cytogenetic location: 15q14.
Variant type: single nucleotide variant.
Coding change: c.31G>C on transcript NM_005159.5 (MANE Select); coding-DNA position 31, G replaced by C.
Protein change: p.Val11Leu; replaces valine 11 with leucine.
Molecular consequence: missense variant.
Genome position (GRCh38, 1-based): chr15:34,794,778, C>G on the plus strand (G>C on the coding strand, the complement: ACTC1 is on the minus strand). VCF-style: chr15-34794778-C-G. GRCh37 (hg19) VCF-style: chr15-35086979-C-G.
Other names: c.31G>C, p.Val11Leu (NM_001406482.1, NM_001406483.1); short protein forms V11L.
Identifiers: ClinVar variation 2947021 (VCV002947021.3), dbSNP rs1794699355, ClinGen allele CA391633409.